The following is an entry in ClinVar:

NM_004168.4(SDHA):c.1001_1064+5dup

Gene: SDHA (succinate dehydrogenase complex flavoprotein subunit A; plus strand). Cytogenetic location: 5p15.33.
Variant type: Duplication.
Coding change: c.1001_1064+5dup on transcript NM_004168.4 (MANE Select); coding-DNA position 1001 through 5 bases into the intron after coding-DNA position 1064, 69 bases duplicated.
Molecular consequence: splice donor variant.
Genome position (GRCh38, 1-based): chr5:233,582-233,650, 69 bases duplicated. GRCh37 (hg19): chr5:233,697-233,765.
Other names: c.1001_1064+5dup (NM_001330758.2); c.857_920+5dup (NM_001294332.2).
Identifiers: ClinVar variation 2567084 (VCV002567084.3), dbSNP rs2477349889, ClinGen allele CA2580613496.

ClinVar aggregate classification (germline): Likely pathogenic (1 of 4 stars; one submission).

Conditions:
Hereditary cancer-predisposing syndrome. Also called: Hereditary neoplastic syndrome; Hereditary Cancer Syndrome; Neoplastic Syndromes, Hereditary; Tumor predisposition. Identifiers: Orphanet 140162, MedGen C0027672, MeSH D009386, MONDO:0015356.

Submission:

Ambry Genetics
Classification: Likely pathogenic for Hereditary cancer-predisposing syndrome. Last evaluated: 2023-06-23. Review status: criteria provided, single submitter. Criteria: Ambry Variant Classification Scheme 2023. Collection method: clinical testing. Allele origin: germline.
Comment: The c.1001_1064+5dup69 variant results from the duplication of 69 nucleotides from nucleotide positions c.1001 to c.1064+5 and includes the coding exon 8/intron 8 boundary of the SDHA gene. This alteration has been observed in at least one individual with a personal and/or family history that is consistent with SDHA-related disease (Ambry internal data). In silico splice site analysis predicts that this alteration will weaken the native splice donor site and will result in the creation or strengthening of a novel splice donor site. RNA studies have demonstrated that this alteration results in abnormal splicing in the set of samples tested (Ambry internal data). Based on the majority of available evidence to date, this variant is likely to be pathogenic.